The following is an entry in ClinVar:

ClinVar aggregate classification (germline): Uncertain significance (1 of 4 stars; one submission).

Conditions:
Neurofibromatosis, type 2 (SWNV). Also called: SCHWANNOMATOSIS, VESTIBULAR; NF2-Related Schwannomatosis; BILATERAL ACOUSTIC NEUROFIBROMATOSIS. Identifiers: Orphanet 637, MedGen C0027832, MONDO:0007039, OMIM 101000. Disease mechanism: loss of function.

Submission:

Labcorp Genetics (formerly Invitae), Labcorp
Classification: Uncertain significance for Neurofibromatosis, type 2. Last evaluated: 2022-08-09. Review status: criteria provided, single submitter. Criteria: Invitae Variant Classification Sherloc (09022015). Collection method: clinical testing. Allele origin: germline.
Comment: This variant is not present in population databases (gnomAD no frequency). In summary, the available evidence is currently insufficient to determine the role of this variant in disease. Therefore, it has been classified as a Variant of Uncertain Significance. Algorithms developed to predict the effect of missense changes on protein structure and function output the following: SIFT: "Tolerated"; PolyPhen-2: "Benign"; Align-GVGD: "Class C15". The valine amino acid residue is found in multiple mammalian species, which suggests that this missense change does not adversely affect protein function. ClinVar contains an entry for this variant (Variation ID: 1355050). This variant has not been reported in the literature in individuals affected with NF2-related conditions. This sequence change replaces isoleucine, which is neutral and non-polar, with valine, which is neutral and non-polar, at codon 412 of the NF2 protein (p.Ile412Val).

NM_000268.4(NF2):c.1234A>G (p.Ile412Val)

Gene: NF2 (NF2, moesin-ezrin-radixin like (MERLIN) tumor suppressor; plus strand). Cytogenetic location: 22q12.2.
Variant type: single nucleotide variant.
Coding change: c.1234A>G on transcript NM_000268.4 (MANE Select); coding-DNA position 1234, A replaced by G.
Protein change: p.Ile412Val; replaces isoleucine 412 with valine.
Molecular consequence: missense variant. On other transcripts: non-coding transcript variant (1), intron variant (1).
Genome position (GRCh38, 1-based): chr22:29,673,380, A>G. VCF-style: chr22-29673380-A-G. GRCh37 (hg19) VCF-style: chr22-30069369-A-G.
Other names: c.1111A>G, p.Ile371Val (NM_181829.3); c.985A>G, p.Ile329Val (NM_181830.3, NM_181831.3); c.1234A>G, p.Ile412Val (NM_181832.3, NM_016418.5, NM_181825.3); c.448-21372A>G (NM_181833.3); c.1108A>G, p.Ile370Val (NM_181828.3); short protein forms I371V, I370V, I412V, I329V.
Identifiers: ClinVar variation 1355050 (VCV001355050.8), dbSNP rs2066862452, ClinGen allele CA411148264.
Genomic context (GRCh38, chr22:29,673,380, plus strand): 5'-GAGGAGGAGGCAAAACTTCTGGCCCAGAAGGCCGCAGAGGCTGAGCAGGAAATGCAGCGC[A>G]TCAAGGCCACAGCGATTCGCACGGAGGAGGAGAAGCGCCTGATGGAGCAGAAGGTGCTGG-3'
Protein context (NP_000259.1, residues 402-422): AAEAEQEMQR[Ile412Val]KATAIRTEEE